The following is an entry in ClinVar:

ClinVar aggregate classification (germline): Uncertain significance (1 of 4 stars; one submission).

Conditions:
Sitosterolemia (STSL). Also called: PHYTOSTEROLEMIA. Identifiers: Orphanet 2882, MedGen C0342907, MONDO:0008863.

Submission:

Labcorp Genetics (formerly Invitae), Labcorp
Classification: Uncertain significance for Sitosterolemia. Last evaluated: 2022-05-08. Review status: criteria provided, single submitter. Criteria: Invitae Variant Classification Sherloc (09022015). Collection method: clinical testing. Allele origin: germline.
Comment: Variants that disrupt the consensus splice site are a relatively common cause of aberrant splicing (PMID: 17576681, 9536098). Algorithms developed to predict the effect of sequence changes on RNA splicing suggest that this variant is not likely to affect RNA splicing. This variant is not present in population databases (gnomAD no frequency). This variant has not been reported in the literature in individuals affected with ABCG5-related conditions. In summary, the available evidence is currently insufficient to determine the role of this variant in disease. Therefore, it has been classified as a Variant of Uncertain Significance. This sequence change falls in intron 3 of the ABCG5 gene. It does not directly change the encoded amino acid sequence of the ABCG5 protein. It affects a nucleotide within the consensus splice site.

Literature cited by the submitters: PubMed 17576681; PubMed 9536098.

NM_022436.3(ABCG5):c.402+3G>T

Gene: ABCG5 (ATP binding cassette subfamily G member 5; minus strand). Cytogenetic location: 2p21.
Variant type: single nucleotide variant.
Coding change: c.402+3G>T on transcript NM_022436.3 (MANE Select); 3 bases into the intron after coding-DNA position 402, G replaced by T.
Molecular consequence: intron variant.
Genome position (GRCh38, 1-based): chr2:43,831,944, C>A on the plus strand (G>T on the coding strand, the complement: ABCG5 is on the minus strand). VCF-style: chr2-43831944-C-A. GRCh37 (hg19) VCF-style: chr2-44059083-C-A.
Identifiers: ClinVar variation 2135345 (VCV002135345.4), dbSNP rs2466093086, ClinGen allele CA2580066528.
Genomic context (GRCh38, chr2:43,831,944, plus strand): 5'-CGTCAGTGTAGCCTAAGCCCCCGGGGCGGGCGGGGGGGCCAGGGGTGTGGGGGACGCGCC[C>A]ACCTGCAGGACGTAGGAGAAGCAGTCCTGGAACTGCTCCCGGCGCAGCGCCCGGCCGTTC-3'